The following is an entry in ClinVar:

ClinVar aggregate classification (germline): Uncertain significance. Review status: criteria provided, multiple submitters, no conflicts (2 of 4 stars). 2 submissions from 2 submitters: Uncertain significance (2). Last evaluated 2025-08-21.

Conditions:
Asphyxiating thoracic dystrophy 5 (SRTD5). Also called: SHORT-RIB THORACIC DYSPLASIA 5 WITH OR WITHOUT POLYDACTYLY; SHORT-RIB THORACIC DYSPLASIA 5 WITHOUT POLYDACTYLY. Identifiers: Orphanet 474, MedGen C3280598, MONDO:0013717, OMIM 614376.
Senior-Loken syndrome 8 (SLSN8). Identifiers: Orphanet 3156, MedGen C4225376, MONDO:0014579, OMIM 616307.

Allele frequency attached by ClinVar (database versions not stated): gnomAD exomes 0.00001; gnomAD 0.00001; TOPMed 0.00001; ExAC 0.00002.
gnomAD v4.1: 11 of 1,589,816 alleles (0.00069%); highest among the groups gnomAD compares: African/African-American, 0.0013%; no homozygotes.

Submissions (2):

Labcorp Genetics (formerly Invitae), Labcorp
Classification: Uncertain significance for Senior-Loken syndrome 8; Asphyxiating thoracic dystrophy 5. Last evaluated: 2025-08-21. Review status: criteria provided, single submitter. Criteria: Invitae Variant Classification Sherloc (09022015). Collection method: clinical testing. Allele origin: germline.
Comment: This sequence change replaces tyrosine, which is neutral and polar, with cysteine, which is neutral and slightly polar, at codon 237 of the WDR19 protein (p.Tyr237Cys). This variant is present in population databases (rs755629699, gnomAD 0.002%). This variant has not been reported in the literature in individuals affected with WDR19-related conditions. ClinVar contains an entry for this variant (Variation ID: 972117). Invitae Evidence Modeling of protein sequence and biophysical properties (such as structural, functional, and spatial information, amino acid conservation, physicochemical variation, residue mobility, and thermodynamic stability) has been performed for this missense variant. However, the output from this modeling did not meet the statistical confidence thresholds required to predict the impact of this variant on WDR19 protein function. In summary, the available evidence is currently insufficient to determine the role of this variant in disease. Therefore, it has been classified as a Variant of Uncertain Significance.

Breakthrough Genomics
Classification: Uncertain significance. Review status: criteria provided, single submitter. Criteria: ACMG Guidelines, 2015. Collection method: not provided. Allele origin: germline. Inheritance: Autosomal recessive inheritance. Affected: yes.

NM_025132.4(WDR19):c.710A>G (p.Tyr237Cys)

Gene: WDR19 (WD repeat domain 19; plus strand). Cytogenetic location: 4p14.
Variant type: single nucleotide variant.
Coding change: c.710A>G on transcript NM_025132.4 (MANE Select); coding-DNA position 710, A replaced by G.
Protein change: p.Tyr237Cys; replaces tyrosine 237 with cysteine.
Molecular consequence: missense variant.
Genome position (GRCh38, 1-based): chr4:39,205,260, A>G. VCF-style: chr4-39205260-A-G. GRCh37 (hg19) VCF-style: chr4-39206880-A-G.
Other names: c.230A>G, p.Tyr77Cys (NM_001317924.2); short protein forms Y237C, Y77C.
Identifiers: ClinVar variation 972117 (VCV000972117.10), dbSNP rs755629699, ClinGen allele CA2891677.